The following is an entry in ClinVar:

ClinVar aggregate classification (germline): Pathogenic (1 of 4 stars; one submission).

Conditions:
Familial thoracic aortic aneurysm and aortic dissection (TAAD). Also called: Thoracic aortic aneurysms and dissections. Identifiers: Orphanet 91387, MedGen C4707243, MONDO:0019625.

Submission:

Labcorp Genetics (formerly Invitae), Labcorp
Classification: Pathogenic for Familial thoracic aortic aneurysm and aortic dissection. Last evaluated: 2019-08-09. Review status: criteria provided, single submitter. Criteria: Invitae Variant Classification Sherloc (09022015). Collection method: clinical testing. Allele origin: germline.
Comment: This sequence change creates a premature translational stop signal (p.Glu284Alafs*22) in the SMAD3 gene. It is expected to result in an absent or disrupted protein product. This variant is not present in population databases (ExAC no frequency). This variant has not been reported in the literature in individuals with SMAD3-related disease. Loss-of-function variants in SMAD3 are known to be pathogenic (PMID: 21778426, 24804794). For these reasons, this variant has been classified as Pathogenic.

NM_005902.4(SMAD3):c.851_864del (p.Glu284fs)

Gene: SMAD3 (SMAD family member 3; plus strand). Cytogenetic location: 15q22.33.
Variant type: Deletion.
Coding change: c.851_864del on transcript NM_005902.4 (MANE Select); coding-DNA positions 851 to 864, 14 bases deleted (AGCTGACACGGAGA).
Protein change: p.Glu284fs; shifts the reading frame from glutamic acid 284.
Molecular consequence: frameshift variant.
Genome position (GRCh38, 1-based): chr15:67,181,433-67,181,446, AGCTGACACGGAGA deleted. VCF-style (leftmost placement, unchanged base first): chr15-67181432-GAGCTGACACGGAGA-G. GRCh37 (hg19) VCF-style: chr15-67473770-GAGCTGACACGGAGA-G.
Other names: c.536_549del, p.Glu179fs (NM_001145102.2); c.266_279del, p.Glu89fs (NM_001145104.2); c.719_732del, p.Glu240fs (NM_001145103.2); c.851_864del (NM_005902.3); short protein forms E89fs, E240fs, E284fs, E179fs.
Identifiers: ClinVar variation 573597 (VCV000573597.3), dbSNP rs1566999621, ClinGen allele CA891843528.